The following is an entry in ClinVar:

NM_002335.4(LRP5):c.4105_4106del (p.Met1369fs)

Gene: LRP5 (LDL receptor related protein 5; plus strand). Cytogenetic location: 11q13.2.
Variant type: Deletion.
Coding change: c.4105_4106del on transcript NM_002335.4 (MANE Select); coding-DNA positions 4105 to 4106, 2 bases deleted (AT; older notation c.4105_4106delAT).
Protein change: p.Met1369fs; shifts the reading frame from methionine 1369.
Molecular consequence: frameshift variant.
Genome position (GRCh38, 1-based): chr11:68,436,993-68,436,994, AT deleted. VCF-style (leftmost placement, unchanged base first): chr11-68436992-CAT-C. GRCh37 (hg19) VCF-style: chr11-68204460-CAT-C.
Other names: c.2362_2363del, p.Met788fs (NM_001291902.2); c.4105_4106del (NM_002335.2); short protein forms M788fs, M1369fs.
Identifiers: ClinVar variation 2735689 (VCV002735689.5), dbSNP rs769348608, ClinGen allele CA6150234.
Genomic context (GRCh38, chr11:68,436,992, plus strand): 5'-TGTCCTCATCAAACAGCAGTGCGACTCCTTCCCCGACTGTATCGACGGCTCCGACGAGCT[CAT>C]GTGTGGTGAGCCAGCTTCTGGCACGGGGAAGGGGCGTCCGGGCTGGGTTCCCCCAGGAAC-3'

ClinVar aggregate classification (germline): Pathogenic/Likely pathogenic. Review status: criteria provided, multiple submitters, no conflicts (2 of 4 stars). 4 submissions from 4 submitters: Pathogenic (3); Likely pathogenic (1). Last evaluated 2026-03-25.

Conditions:
LRP5-related disorder. Also called: LRP5-related condition.
Autosomal dominant osteopetrosis 1 (OPTA1). Also called: OSTEOPETROSIS, AUTOSOMAL DOMINANT, TYPE I. Identifiers: Orphanet 2783, MedGen C1843330, MONDO:0011877, OMIM 607634.

Allele frequency attached by ClinVar (database versions not stated): gnomAD exomes below 0.00001; ExAC 0.00001.

Submissions (4):

GeneDx
Classification: Pathogenic. Last evaluated: 2026-03-25. Review status: criteria provided, single submitter. Criteria: GeneDx Variant Classification Process June 2021. Collection method: clinical testing. Allele origin: germline.
Comment: Frameshift variant predicted to result in protein truncation or nonsense mediated decay in a gene for which loss of function is a known mechanism of disease; Not observed at significant frequency in large population cohorts (gnomAD); This variant is associated with the following publications: (PMID: 30283887, 37973048, 31106028, 34860240, 16252235, 35252483)

Variantyx, Inc.
Classification: Pathogenic for Autosomal dominant osteopetrosis 1. Last evaluated: 2025-12-11. Review status: criteria provided, single submitter. Criteria: Variantyx Assertion Criteria 2022. Collection method: clinical testing. Allele origin: germline. Inheritance: Autosomal dominant inheritance. Affected: no.
Comment: This is a frameshift variant in the LRP5 gene (OMIM: 603506). Pathogenic variants in this gene have been associated with autosomal dominant osteopetrosis 1 (OPTA1). This variant introduces a premature termination codon in exon 19 out of 23 and is expected to result in loss of function, which is a known disease mechanism for LRP5 in this disorder (PMID: 16252235, 30283887) (PVS1). This variant has been reported in at least 2 unrelated affected individuals (PMID: 16252235, 30283887) (PS4_Moderate). It has a 0.0002% maximum allele frequency in non-founder control populations (PM2). Based on the current evidence, this variant is classified as pathogenic for autosomal dominant osteopetrosis 1 (OPTA1).

Labcorp Genetics (formerly Invitae), Labcorp
Classification: Pathogenic. Last evaluated: 2025-10-17. Review status: criteria provided, single submitter. Criteria: Invitae Variant Classification Sherloc (09022015). Collection method: clinical testing. Allele origin: germline.
Comment: This sequence change creates a premature translational stop signal (p.Met1369Valfs*2) in the LRP5 gene. It is expected to result in an absent or disrupted protein product. Loss-of-function variants in LRP5 are known to be pathogenic (PMID: 11719191, 16252235, 25711638). This variant is present in population databases (rs769348608, gnomAD 0.0009%). This premature translational stop signal has been observed in individual(s) with osteoporosis and familial exudative vitreoretinopathy (PMID: 16252235, 30283887, 34860240). ClinVar contains an entry for this variant (Variation ID: 2735689). For these reasons, this variant has been classified as Pathogenic.

Blueprint Genetics
Classification: Likely pathogenic for LRP5-related disorders. Last evaluated: 2020-12-14. Review status: criteria provided, single submitter. Criteria: ACMG Guidelines, 2015. Collection method: clinical testing. Allele origin: germline. Affected: yes. Observed: 2 variant alleles.

Literature cited by the submitters: PubMed 16252235 (cited by Variantyx, Inc. and Labcorp Genetics (formerly Invitae), Labcorp); PubMed 30283887 (cited by Variantyx, Inc. and Labcorp Genetics (formerly Invitae), Labcorp); PubMed 11719191 (cited by Labcorp Genetics (formerly Invitae), Labcorp); PubMed 25711638 (cited by Labcorp Genetics (formerly Invitae), Labcorp); PubMed 34860240 (cited by Labcorp Genetics (formerly Invitae), Labcorp).